The following is an entry in ClinVar:

ClinVar aggregate classification (germline): Likely benign (1 of 4 stars; one submission).

Submission:

CeGaT Center for Human Genetics Tuebingen
Classification: Likely benign. Last evaluated: 2024-11-01. Review status: criteria provided, single submitter. Criteria: CeGaT Center For Human Genetics Tuebingen Variant Classification Criteria Version 2. Collection method: clinical testing. Allele origin: germline. Affected: yes. Observed: 1 variant allele.
Comment: PABPN1: BP4, BP7

NM_004643.4(PABPN1):c.12G>A (p.Ala4=)

Genes: PABPN1 (poly(A) binding protein nuclear 1; plus strand), BCL2L2-PABPN1 (BCL2L2-PABPN1 readthrough; plus strand). Cytogenetic location: 14q11.2.
Variant type: single nucleotide variant.
Coding change: c.12G>A on transcript NM_004643.4 (MANE Select); coding-DNA position 12, G replaced by A.
Protein change: p.Ala4=; no amino-acid change (alanine 4 retained).
Molecular consequence: synonymous variant. On other transcripts: intron variant (8).
Genome position (GRCh38, 1-based): chr14:23,321,481, G>A. VCF-style: chr14-23321481-G-A. GRCh37 (hg19) VCF-style: chr14-23790690-G-A.
Other names: c.12G>A, p.Ala4= (NM_001360551.3); c.529-700G>A (NM_001387343.1, NM_001387342.1, NM_001387344.1 and 1 more transcripts); c.433-700G>A (NM_001387345.1, NM_001387346.1, NM_001199864.3); c.550-700G>A (NM_001387340.1).
Identifiers: ClinVar variation 3027316 (VCV003027316.22), dbSNP rs1339375212, ClinGen allele CA485761314.
Genomic context (GRCh38, chr14:23,321,481, plus strand): 5'-CCGGCGCAGCTCTCCAATCGCCGGGCGGCGGGCCCCAGTCTGAGCGGCGATGGCGGCGGC[G>A]GCGGCGGCGGCAGCAGCAGCGGGGGCTGCGGGCGGTCGGGGCTCCGGGCCGGGGCGGCGG-3'
Protein context (NP_004634.1, residues 1-14): MAA[Ala4=]AAAAAAAGAA